The following is an entry in ClinVar:

ClinVar aggregate classification (germline): Uncertain significance (1 of 4 stars; one submission).

Conditions:
Myofibrillar myopathy 6. Identifiers: Orphanet 199340, MedGen C2751831, MONDO:0013061, OMIM 612954.
Dilated cardiomyopathy 1HH (CMD1HH). Identifiers: Orphanet 154, MedGen C3151293, MONDO:0013479, OMIM 613881.

Submission:

Labcorp Genetics (formerly Invitae), Labcorp
Classification: Uncertain significance for Dilated cardiomyopathy 1HH; Myofibrillar myopathy 6. Last evaluated: 2025-04-18. Review status: criteria provided, single submitter. Criteria: Invitae Variant Classification Sherloc (09022015). Collection method: clinical testing. Allele origin: germline.
Comment: This sequence change replaces valine, which is neutral and non-polar, with leucine, which is neutral and non-polar, at codon 54 of the BAG3 protein (p.Val54Leu). This variant is not present in population databases (gnomAD no frequency). This variant has not been reported in the literature in individuals affected with BAG3-related conditions. ClinVar contains an entry for this variant (Variation ID: 1435930). An algorithm developed to predict the effect of missense changes on protein structure and function (PolyPhen-2) suggests that this variant is likely to be tolerated. In summary, the available evidence is currently insufficient to determine the role of this variant in disease. Therefore, it has been classified as a Variant of Uncertain Significance.

NM_004281.4(BAG3):c.160G>C (p.Val54Leu)

Gene: BAG3 (BAG cochaperone 3; plus strand). Cytogenetic location: 10q26.11.
Variant type: single nucleotide variant.
Coding change: c.160G>C on transcript NM_004281.4 (MANE Select); coding-DNA position 160, G replaced by C.
Protein change: p.Val54Leu; replaces valine 54 with leucine.
Molecular consequence: missense variant.
Genome position (GRCh38, 1-based): chr10:119,651,835, G>C. VCF-style: chr10-119651835-G-C. GRCh37 (hg19) VCF-style: chr10-121411347-G-C.
Other names: short protein forms V54L.
Identifiers: ClinVar variation 1435930 (VCV001435930.6), dbSNP rs1846845663, ClinGen allele CA378294306.
Genomic context (GRCh38, chr10:119,651,835, plus strand): 5'-ACCGGCTGGCCCTTCTTCGTGGACCACAACAGCCGCACCACTACGTGGAACGACCCGCGC[G>C]TGCCCTCTGAGGGCCCCAAGGTGAGCCGGGCCCGCGGCCCGCCCTGGTCGGTGGCGCCAC-3'
Protein context (NP_004272.2, residues 44-64): SRTTTWNDPR[Val54Leu]PSEGPKETPS